The following is an entry in ClinVar:

ClinVar aggregate classification (germline): Conflicting classifications of pathogenicity. Review status: criteria provided, conflicting classifications (1 of 4 stars). 7 submissions from 7 submitters: Uncertain significance (1); Benign (1); Likely benign (3). 2 of the submissions do not count toward it. Last evaluated 2026-01-27.

Conditions:
Nemaline myopathy 2 (NEM2). Also called: Nemaline myopathy 2, autosomal recessive. Identifiers: MedGen C1850569, MONDO:0009725, OMIM 256030.
NEB-related disorder. Also called: NEB-related condition; NEB-Related Disorders.

Allele frequency attached by ClinVar (database versions not stated): gnomAD exomes 0.00037 and 0.00081; gnomAD 0.00048 and 0.00049; TOPMed 0.00055; ESP Exome Variant Server 0.00057; ExAC 0.00135.
gnomAD v4.1: 651 of 1,597,844 alleles (0.041%); highest among the groups gnomAD compares: East Asian, 0.023%; 4 homozygotes.

Submissions (7):

Labcorp Genetics (formerly Invitae), Labcorp
Classification: Benign for Nemaline myopathy 2. Last evaluated: 2026-01-27. Review status: criteria provided, single submitter. Criteria: Invitae Variant Classification Sherloc (09022015). Collection method: clinical testing. Allele origin: germline.

Blueprint Genetics
Classification: Likely benign. Last evaluated: 2024-10-31. Review status: criteria provided, single submitter. Criteria: ACMG Guidelines, 2015. Collection method: clinical testing. Allele origin: germline.

CeGaT Center for Human Genetics Tuebingen
Classification: Likely benign. Last evaluated: 2024-03-01. Review status: criteria provided, single submitter. Criteria: CeGaT Center For Human Genetics Tuebingen Variant Classification Criteria Version 2. Collection method: clinical testing. Allele origin: germline. Affected: yes. Observed: 3 variant alleles.
Comment: NEB: BP4, BS2

GeneDx
Classification: Likely benign. Last evaluated: 2020-08-20. Review status: criteria provided, single submitter. Criteria: GeneDx Variant Classification Process June 2021. Collection method: clinical testing. Allele origin: germline. Affected: yes.

Illumina Laboratory Services, Illumina
Classification: Uncertain significance for Nemaline myopathy 2. Last evaluated: 2018-01-13. Review status: criteria provided, single submitter. Criteria: ICSL Variant Classification Criteria 13 December 2019. Collection method: clinical testing. Allele origin: germline.

PreventionGenetics, part of Exact Sciences
Classification: Benign for NEB-related condition. Last evaluated: 2023-05-10. Review status: no assertion criteria provided. Collection method: clinical testing. Allele origin: germline. Not counted in ClinVar's aggregate classification.
Comment: This variant is classified as benign based on ACMG/AMP sequence variant interpretation guidelines (Richards et al. 2015 PMID: 25741868, with internal and published modifications).

Natera, Inc.
Classification: Benign for Nemaline myopathy type 2. Last evaluated: 2019-12-26. Review status: no assertion criteria provided. Collection method: clinical testing. Allele origin: germline. Not counted in ClinVar's aggregate classification.

NM_001164508.2(NEB):c.20032C>T (p.Arg6678Cys)

Gene: NEB (nebulin; minus strand). Cytogenetic location: 2q23.3.
Variant type: single nucleotide variant.
Coding change: c.20032C>T on transcript NM_001164508.2 (MANE Select); coding-DNA position 20032, C replaced by T.
Protein change: p.Arg6678Cys; replaces arginine 6678 with cysteine.
Molecular consequence: missense variant.
Genome position (GRCh38, 1-based): chr2:151,549,653, G>A on the plus strand (C>T on the coding strand, the complement: NEB is on the minus strand). VCF-style: chr2-151549653-G-A. GRCh37 (hg19) VCF-style: chr2-152406167-G-A.
Other names: c.20032C>T, p.Arg6678Cys (NM_001164507.2, NM_001271208.2); c.14929C>T, p.Arg4977Cys (NM_004543.5); short protein forms R6678C, R4977C.
Identifiers: ClinVar variation 331438 (VCV000331438.82), dbSNP rs200239095, ClinGen allele CA1907461.